The following is an entry in ClinVar:

NM_001939.3(DRP2):c.1250G>A (p.Arg417His)

Gene: DRP2 (dystrophin related protein 2; plus strand). Cytogenetic location: Xq22.1.
Variant type: single nucleotide variant.
Coding change: c.1250G>A on transcript NM_001939.3 (MANE Select); coding-DNA position 1250, G replaced by A.
Protein change: p.Arg417His; replaces arginine 417 with histidine.
Molecular consequence: missense variant.
Genome position (GRCh38, 1-based): chrX:101,247,162, G>A. VCF-style: chrX-101247162-G-A. GRCh37 (hg19) VCF-style: chrX-100502151-G-A.
Other names: c.1016G>A, p.Arg339His (NM_001171184.2); short protein forms R339H, R417H.
Identifiers: ClinVar variation 2914887 (VCV002914887.3), dbSNP rs759825823, ClinGen allele CA333090497.
Genomic context (GRCh38, chrX:101,247,162, plus strand): 5'-ACATTAAGTTCTCAGCTTATCGCACTGCCATGAAACTCCGCAGAGTCCAGAAAGCCCTGC[G>A]CTGTACGTCTCCTGTTGTACTTCCCTATGACGTTCACCACCCCTCTCCTGTTCCTCATCT-3'
Protein context (NP_001930.2, residues 407-427): MKLRRVQKAL[Arg417His]LDLVTLTTAL

ClinVar aggregate classification (germline): Uncertain significance (1 of 4 stars; one submission).

Allele frequency attached by ClinVar (database versions not stated): TOPMed 0.00001.
gnomAD v4.1: 2 of 1,205,299 alleles (0.00017%); highest among the groups gnomAD compares: Non-Finnish European, 0.00022%; no homozygotes.

Submission:

Labcorp Genetics (formerly Invitae), Labcorp
Classification: Uncertain significance. Last evaluated: 2023-07-08. Review status: criteria provided, single submitter. Criteria: Invitae Variant Classification Sherloc (09022015). Collection method: clinical testing. Allele origin: germline.
Comment: In summary, the available evidence is currently insufficient to determine the role of this variant in disease. Therefore, it has been classified as a Variant of Uncertain Significance. An algorithm developed to predict the effect of missense changes on protein structure and function (PolyPhen-2) suggests that this variant is likely to be disruptive. This variant has not been reported in the literature in individuals affected with DRP2-related conditions. This variant is not present in population databases (gnomAD no frequency). This sequence change replaces arginine, which is basic and polar, with histidine, which is basic and polar, at codon 417 of the DRP2 protein (p.Arg417His).